The following is an entry in ClinVar:

ClinVar aggregate classification (germline): Uncertain significance (1 of 4 stars; one submission).

Submission:

GeneDx
Classification: Uncertain significance. Last evaluated: 2023-05-11. Review status: criteria provided, single submitter. Criteria: GeneDx Variant Classification Process June 2021. Collection method: clinical testing. Allele origin: germline. Affected: yes.
Comment: Not observed at significant frequency in large population cohorts (gnomAD); In silico analysis supports that this missense variant has a deleterious effect on protein structure/function; Has not been previously published as pathogenic or benign to our knowledge

NM_002240.5(KCNJ6):c.347A>G (p.Tyr116Cys)

Genes: KCNJ6 (potassium inwardly rectifying channel subfamily J member 6; minus strand), KCNJ6-AS1 (KCNJ6 antisense RNA 1; plus strand). Cytogenetic location: 21q22.13.
Variant type: single nucleotide variant.
Coding change: c.347A>G on transcript NM_002240.5 (MANE Select); coding-DNA position 347, A replaced by G.
Protein change: p.Tyr116Cys; replaces tyrosine 116 with cysteine.
Molecular consequence: missense variant. On other transcripts: non-coding transcript variant (1).
Genome position (GRCh38, 1-based): chr21:37,714,810, T>C on the plus strand (A>G on the coding strand, the complement: KCNJ6 is on the minus strand). VCF-style: chr21-37714810-T-C. GRCh37 (hg19) VCF-style: chr21-39087113-T-C.
Other names: short protein forms Y116C.
Identifiers: ClinVar variation 2663020 (VCV002663020.1), dbSNP rs2518197065, ClinGen allele CA409969020.